The following is an entry in ClinVar:

ClinVar aggregate classification (germline): Uncertain significance (1 of 4 stars; one submission).

Conditions:
Early-infantile DEE. Also called: Ohtahara syndrome; Early infantile epileptic encephalopathy; Early infantile epileptic encephalopathy with suppression bursts. Identifiers: Orphanet 1934, MedGen C0393706, MONDO:0800491.

Submission:

Labcorp Genetics (formerly Invitae), Labcorp
Classification: Uncertain significance for Early-infantile DEE. Last evaluated: 2023-07-25. Review status: criteria provided, single submitter. Criteria: Invitae Variant Classification Sherloc (09022015). Collection method: clinical testing. Allele origin: germline.
Comment: In summary, the available evidence is currently insufficient to determine the role of this variant in disease. Therefore, it has been classified as a Variant of Uncertain Significance. Variants that disrupt the consensus splice site are a relatively common cause of aberrant splicing (PMID: 17576681, 9536098). Algorithms developed to predict the effect of sequence changes on RNA splicing suggest that this variant is not likely to affect RNA splicing. This variant has not been reported in the literature in individuals affected with SCN8A-related conditions. This variant is not present in population databases (gnomAD no frequency). This sequence change falls in intron 23 of the SCN8A gene. It does not directly change the encoded amino acid sequence of the SCN8A protein. It affects a nucleotide within the consensus splice site.

Literature cited by the submitters: PubMed 17576681; PubMed 9536098.

NM_001330260.2(SCN8A):c.4282-3C>T

Gene: SCN8A (sodium voltage-gated channel alpha subunit 8; plus strand). Cytogenetic location: 12q13.13.
Variant type: single nucleotide variant.
Coding change: c.4282-3C>T on transcript NM_001330260.2 (MANE Select); 3 bases into the intron before coding-DNA position 4282, C replaced by T.
Molecular consequence: intron variant.
Genome position (GRCh38, 1-based): chr12:51,789,278, C>T. VCF-style: chr12-51789278-C-T. GRCh37 (hg19) VCF-style: chr12-52183062-C-T.
Other names: c.4282-3C>T (NM_014191.4); c.4159-3C>T (NM_001177984.3, NM_001369788.1).
Identifiers: ClinVar variation 2868077 (VCV002868077.3), dbSNP rs2540306760, ClinGen allele CA2739272035.
Genomic context (GRCh38, chr12:51,789,278, plus strand): 5'-CCTTGGCGTGTCAAACTCCAAACTAGGAGCTGATTCTCTTCCTTTTATCCTGTCCTTTGA[C>T]AGCCTGATGAGCAGCCTAAGTATGAGGACAATATCTACATGTACATCTATTTTGTCATCT-3'